The following is an entry in ClinVar:

ClinVar aggregate classification (germline): Uncertain significance. Review status: criteria provided, multiple submitters, no conflicts (2 of 4 stars). 2 submissions from 2 submitters: Uncertain significance (2). Last evaluated 2025-07-30.

Conditions:
Cardiovascular phenotype. Identifiers: MedGen CN230736.
Long QT syndrome (LQTS). Identifiers: MedGen C0023976, MeSH D008133, MONDO:0002442. Disease mechanism: loss of function. Inheritance: Various modes of inheritance.

Allele frequency attached by ClinVar (database versions not stated): gnomAD exomes below 0.00001; ExAC 0.00001; gnomAD 0.00001.
gnomAD v4.1: 2 of 1,613,710 alleles (0.00012%); highest among the groups gnomAD compares: Non-Finnish European, 0.00017%; no homozygotes.

Submissions (2):

Labcorp Genetics (formerly Invitae), Labcorp
Classification: Uncertain significance for Long QT syndrome. Last evaluated: 2025-07-30. Review status: criteria provided, single submitter. Criteria: Invitae Variant Classification Sherloc (09022015). Collection method: clinical testing. Allele origin: germline.
Comment: This sequence change replaces lysine, which is basic and polar, with glutamic acid, which is acidic and polar, at codon 1394 of the ANK2 protein (p.Lys1394Glu). This variant is present in population databases (rs780968977, gnomAD 0.0009%). This variant has not been reported in the literature in individuals affected with ANK2-related conditions. ClinVar contains an entry for this variant (Variation ID: 1738499). Invitae Evidence Modeling of protein sequence and biophysical properties (such as structural, functional, and spatial information, amino acid conservation, physicochemical variation, residue mobility, and thermodynamic stability) has been performed for this missense variant. However, the output from this modeling did not meet the statistical confidence thresholds required to predict the impact of this variant on ANK2 protein function. In summary, the available evidence is currently insufficient to determine the role of this variant in disease. Therefore, it has been classified as a Variant of Uncertain Significance.

Ambry Genetics
Classification: Uncertain significance for Cardiovascular phenotype. Last evaluated: 2023-07-05. Review status: criteria provided, single submitter. Criteria: Ambry Variant Classification Scheme 2023. Collection method: clinical testing. Allele origin: germline.
Comment: The p.K1394E variant (also known as c.4180A>G), located in coding exon 34 of the ANK2 gene, results from an A to G substitution at nucleotide position 4180. The lysine at codon 1394 is replaced by glutamic acid, an amino acid with similar properties. This amino acid position is highly conserved in available vertebrate species. In addition, this alteration is predicted to be deleterious by in silico analysis. Since supporting evidence is limited at this time, the clinical significance of this alteration remains unclear.

NM_001148.6(ANK2):c.4180A>G (p.Lys1394Glu)

Gene: ANK2 (ankyrin 2; plus strand). Cytogenetic location: 4q26.
Variant type: single nucleotide variant.
Coding change: c.4180A>G on transcript NM_001148.6 (MANE Select); coding-DNA position 4180, A replaced by G.
Protein change: p.Lys1394Glu; replaces lysine 1394 with glutamic acid.
Molecular consequence: missense variant.
Genome position (GRCh38, 1-based): chr4:113,343,074, A>G. VCF-style: chr4-113343074-A-G. GRCh37 (hg19) VCF-style: chr4-114264230-A-G.
Other names: c.4153A>G, p.Lys1385Glu (NM_001127493.3); c.4192A>G, p.Lys1398Glu (NM_001354225.2); c.4081A>G, p.Lys1361Glu (NM_001354228.2, NM_001354258.2); c.4159A>G, p.Lys1387Glu (NM_001354230.2); c.4222A>G, p.Lys1408Glu (NM_001354231.2, NM_001354242.2); c.4216A>G, p.Lys1406Glu (NM_001354232.2); c.4177A>G, p.Lys1393Glu (NM_001354235.2, NM_001354246.2, NM_001354265.2); c.4078A>G, p.Lys1360Glu (NM_001354236.2); and 31 more; short protein forms K1299E, K1327E, K1342E, K1360E, K1394E, K1406E, K1441E, K1294E.
Identifiers: ClinVar variation 1738499 (VCV001738499.4), dbSNP rs780968977, ClinGen allele CA3051007.
Genomic context (GRCh38, chr4:113,343,074, plus strand): 5'-CAGGTGTTAGAAGGAAAACCCATCTACGTTGATTGTTTCGGCAACTTGGTACCATTAACT[A>G]AAAGTGGCCAGCATCATATATTCAGTTTTTTTGCCTTCAAAGAAAATAGACTTCCTCTAT-3'
Protein context (NP_001139.3, residues 1384-1404): DCFGNLVPLT[Lys1394Glu]SGQHHIFSFF